The following is an entry in ClinVar:

NM_001375524.1(TRRAP):c.9499C>T (p.Arg3167Trp)

Gene: TRRAP (transformation/transcription domain associated protein; plus strand). Cytogenetic location: 7q22.1.
Variant type: single nucleotide variant.
Coding change: c.9499C>T on transcript NM_001375524.1 (MANE Select); coding-DNA position 9499, C replaced by T.
Protein change: p.Arg3167Trp; replaces arginine 3167 with tryptophan.
Molecular consequence: missense variant.
Genome position (GRCh38, 1-based): chr7:98,988,874, C>T. VCF-style: chr7-98988874-C-T. GRCh37 (hg19) VCF-style: chr7-98586497-C-T.
Other names: c.9511C>T, p.Arg3171Trp (NM_001244580.2); c.9424C>T, p.Arg3142Trp (NM_003496.4); short protein forms R3142W, R3167W, R3171W.
Identifiers: ClinVar variation 2870105 (VCV002870105.3), dbSNP rs778465879, ClinGen allele CA4361729.

ClinVar aggregate classification (germline): Uncertain significance (1 of 4 stars; one submission).

Allele frequency attached by ClinVar (database versions not stated): TOPMed below 0.00001; ExAC 0.00001; gnomAD 0.00001.
gnomAD v4.1: 4 of 1,614,008 alleles (0.00025%); highest among the groups gnomAD compares: African/African-American, 0.0027%; no homozygotes.

Submission:

Labcorp Genetics (formerly Invitae), Labcorp
Classification: Uncertain significance. Last evaluated: 2024-07-03. Review status: criteria provided, single submitter. Criteria: Invitae Variant Classification Sherloc (09022015). Collection method: clinical testing. Allele origin: germline.
Comment: This sequence change replaces arginine, which is basic and polar, with tryptophan, which is neutral and slightly polar, at codon 3142 of the TRRAP protein (p.Arg3142Trp). This variant is not present in population databases (gnomAD no frequency). This missense change has been observed in individual(s) with neurodevelopmental disorder (PMID: 28191889). This missense change has been observed in at least one individual who was not affected with TRRAP-related conditions (Invitae). This variant is also known as p.Arg3171Trp. Advanced modeling of protein sequence and biophysical properties (such as structural, functional, and spatial information, amino acid conservation, physicochemical variation, residue mobility, and thermodynamic stability) performed at Invitae indicates that this missense variant is expected to disrupt TRRAP protein function with a positive predictive value of 80%. In summary, the available evidence is currently insufficient to determine the role of this variant in disease. Therefore, it has been classified as a Variant of Uncertain Significance.

Literature cited by the submitters: PubMed 28191889.